The following is an entry in ClinVar:

ClinVar aggregate classification (germline): Uncertain significance (1 of 4 stars; one submission).

Conditions:
Cortical dysplasia-focal epilepsy syndrome (PTHSL1). Also called: Pitt-Hopkins-like syndrome 1. Identifiers: Orphanet 163681, Orphanet 221150, MedGen C2750246, MONDO:0012400, OMIM 610042.

Submission:

Labcorp Genetics (formerly Invitae), Labcorp
Classification: Uncertain significance for Cortical dysplasia-focal epilepsy syndrome. Last evaluated: 2021-09-18. Review status: criteria provided, single submitter. Criteria: Invitae Variant Classification Sherloc (09022015). Collection method: clinical testing. Allele origin: germline.
Comment: This sequence change replaces threonine with asparagine at codon 111 of the CNTNAP2 protein (p.Thr111Asn). The threonine residue is weakly conserved and there is a small physicochemical difference between threonine and asparagine. This variant is not present in population databases (ExAC no frequency). This variant has not been reported in the literature in individuals affected with CNTNAP2-related conditions. Algorithms developed to predict the effect of missense changes on protein structure and function are either unavailable or do not agree on the potential impact of this missense change (SIFT: "Tolerated"; PolyPhen-2: "Probably Damaging"; Align-GVGD: "Class C0"). In summary, the available evidence is currently insufficient to determine the role of this variant in disease. Therefore, it has been classified as a Variant of Uncertain Significance.

NM_014141.6(CNTNAP2):c.332C>A (p.Thr111Asn)

Gene: CNTNAP2 (contactin associated protein 2; plus strand). Cytogenetic location: 7q35.
Variant type: single nucleotide variant.
Coding change: c.332C>A on transcript NM_014141.6 (MANE Select); coding-DNA position 332, C replaced by A.
Protein change: p.Thr111Asn; replaces threonine 111 with asparagine.
Molecular consequence: missense variant.
Genome position (GRCh38, 1-based): chr7:146,839,834, C>A. VCF-style: chr7-146839834-C-A. GRCh37 (hg19) VCF-style: chr7-146536926-C-A.
Other names: short protein forms T111N.
Identifiers: ClinVar variation 1382130 (VCV001382130.1), dbSNP rs2129200527, ClinGen allele CA369922732.
Genomic context (GRCh38, chr7:146,839,834, plus strand): 5'-ATCGGAAGCAGATCAGTGCCATTGCAACCCAAGGAAGGTATAGCAGCTCAGATTGGGTGA[C>A]CCAATACCGGATGCTCTACAGCGACACAGGGAGAAACTGGAAACCCTATCATCAAGATGG-3'
Protein context (NP_054860.1, residues 101-121): QGRYSSSDWV[Thr111Asn]QYRMLYSDTG